The following is an entry in ClinVar:

ClinVar aggregate classification (germline): Conflicting classifications of pathogenicity. Review status: criteria provided, conflicting classifications (1 of 4 stars). 3 submissions from 3 submitters: Uncertain significance (2); Likely benign (1). Last evaluated 2026-01-19.

Conditions:
Inborn genetic diseases. Identifiers: MedGen C0950123, MeSH D030342.

Allele frequency attached by ClinVar (database versions not stated): gnomAD exomes 0.00004 and 0.00006; gnomAD 0.00005 and 0.00006; TOPMed 0.00006; ExAC 0.00008; ESP Exome Variant Server 0.00016; 1000 Genomes Project 0.00020; 1000 Genomes Project 30x 0.00031.
gnomAD v4.1: 70 of 1,613,746 alleles (0.0043%); highest among the groups gnomAD compares: Admixed American, 0.01%; no homozygotes.

Submissions (3):

Labcorp Genetics (formerly Invitae), Labcorp
Classification: Uncertain significance. Last evaluated: 2026-01-19. Review status: criteria provided, single submitter. Criteria: Invitae Variant Classification Sherloc (09022015). Collection method: clinical testing. Allele origin: germline.
Comment: This sequence change replaces leucine, which is neutral and non-polar, with serine, which is neutral and polar, at codon 627 of the RTTN protein (p.Leu627Ser). This variant is present in population databases (rs201273368, gnomAD 0.009%). This variant has not been reported in the literature in individuals affected with RTTN-related conditions. ClinVar contains an entry for this variant (Variation ID: 1443663). Invitae Evidence Modeling of protein sequence and biophysical properties (such as structural, functional, and spatial information, amino acid conservation, physicochemical variation, residue mobility, and thermodynamic stability) indicates that this missense variant is not expected to disrupt RTTN protein function with a negative predictive value of 80%. In summary, the available evidence is currently insufficient to determine the role of this variant in disease. Therefore, it has been classified as a Variant of Uncertain Significance.

Ambry Genetics
Classification: Likely benign for Inborn genetic diseases. Last evaluated: 2025-07-11. Review status: criteria provided, single submitter. Criteria: Ambry Variant Classification Scheme 2023. Collection method: clinical testing. Allele origin: germline.

Breakthrough Genomics
Classification: Uncertain significance. Review status: criteria provided, single submitter. Criteria: ACMG Guidelines, 2015. Collection method: not provided. Allele origin: germline. Inheritance: Autosomal recessive inheritance. Affected: yes.

NM_173630.4(RTTN):c.1880T>C (p.Leu627Ser)

Gene: RTTN (rotatin; minus strand). Cytogenetic location: 18q22.2.
Variant type: single nucleotide variant.
Coding change: c.1880T>C on transcript NM_173630.4 (MANE Select); coding-DNA position 1880, T replaced by C.
Protein change: p.Leu627Ser; replaces leucine 627 with serine.
Molecular consequence: missense variant. On other transcripts: 5 prime UTR variant (1).
Genome position (GRCh38, 1-based): chr18:70,166,111, A>G on the plus strand (T>C on the coding strand, the complement: RTTN is on the minus strand). VCF-style: chr18-70166111-A-G. GRCh37 (hg19) VCF-style: chr18-67833347-A-G.
Other names: c.-768T>C (NM_001318520.2); c.1880T>C (NM_173630.3); short protein forms L627S.
Identifiers: ClinVar variation 1443663 (VCV001443663.7), dbSNP rs201273368, ClinGen allele CA8996062.